The following is an entry in ClinVar:

NM_005861.4(STUB1):c.553G>A (p.Glu185Lys)

Genes: STUB1 (STIP1 homology and U-box containing protein 1; plus strand), JMJD8 (jumonji domain containing 8; minus strand). Cytogenetic location: 16p13.3.
Variant type: single nucleotide variant.
Coding change: c.553G>A on transcript NM_005861.4 (MANE Select); coding-DNA position 553, G replaced by A.
Protein change: p.Glu185Lys; replaces glutamic acid 185 with lysine.
Molecular consequence: missense variant. On other transcripts: 3 prime UTR variant (5), non-coding transcript variant (3).
Genome position (GRCh38, 1-based): chr16:681,821, G>A. VCF-style: chr16-681821-G-A. GRCh37 (hg19) VCF-style: chr16-731821-G-A.
Other names: c.337G>A, p.Glu113Lys (NM_001293197.2); c.*973C>T (NM_001005920.4, NM_001323919.3, NM_001323920.3); c.*1007C>T (NM_001323918.3, NM_001323922.3); short protein forms E113K, E185K.
Identifiers: ClinVar variation 1909215 (VCV001909215.9), dbSNP rs757171182, ClinGen allele CA7786661.

ClinVar aggregate classification (germline): Uncertain significance. Review status: criteria provided, multiple submitters, no conflicts (2 of 4 stars). 3 submissions from 3 submitters: Uncertain significance (3). Last evaluated 2025-11-08.

Conditions:
Spinocerebellar ataxia 48. Identifiers: Orphanet 631103, MedGen C4748158, MONDO:0032526, OMIM 618093.
Inborn genetic diseases. Identifiers: MedGen C0950123, MeSH D030342.

Allele frequency attached by ClinVar (database versions not stated): ExAC 0.00003.
gnomAD v4.1: 84 of 1,607,450 alleles (0.0052%); highest among the groups gnomAD compares: Middle Eastern, 0.017%; no homozygotes.

Submissions (3):

Ambry Genetics
Classification: Uncertain significance for Inborn genetic diseases. Last evaluated: 2025-11-08. Review status: criteria provided, single submitter. Criteria: Ambry Variant Classification Scheme 2023. Collection method: clinical testing. Allele origin: germline.

Labcorp Genetics (formerly Invitae), Labcorp
Classification: Uncertain significance. Last evaluated: 2025-08-21. Review status: criteria provided, single submitter. Criteria: Invitae Variant Classification Sherloc (09022015). Collection method: clinical testing. Allele origin: germline.
Comment: This sequence change replaces glutamic acid, which is acidic and polar, with lysine, which is basic and polar, at codon 185 of the STUB1 protein (p.Glu185Lys). This variant is present in population databases (rs757171182, gnomAD 0.007%). This variant has not been reported in the literature in individuals affected with STUB1-related conditions. ClinVar contains an entry for this variant (Variation ID: 1909215). An algorithm developed to predict the effect of missense changes on protein structure and function (PolyPhen-2) suggests that this variant is likely to be tolerated. In summary, the available evidence is currently insufficient to determine the role of this variant in disease. Therefore, it has been classified as a Variant of Uncertain Significance.

Neuberg Centre For Genomic Medicine, NCGM
Classification: Uncertain significance for Spinocerebellar ataxia 48. Review status: criteria provided, single submitter. Criteria: ACMG Guidelines, 2015. Collection method: clinical testing. Allele origin: germline. Inheritance: Autosomal dominant inheritance. Affected: yes.
Comment: The missense variant c.553G>A p.Glu185Lys in the STUB1 gene has not been reported previously as a pathogenic variant nor as a benign variant, to our knowledge. This variant is reported with the allele frequency 0.0003% in the gnomAD Exomes and novel not in any individuals in 1000 Genomes. This variant has been reported to the ClinVar database as Uncertain Significance. However, no details are available for independent assessment. The amino acid Glutamic acid at position 185 is changed to a Lysine changing protein sequence and it might alter its composition and physico- chemical properties. The amino acid change p.Glu185Lys in STUB1 is predicted as conserved by GERP++ and PhyloP across 100 vertebrates. For these reasons, this variant has been classified as Uncertain Significance.